The following is an entry in ClinVar:

ClinVar aggregate classification (germline): Uncertain significance. Review status: criteria provided, multiple submitters, no conflicts (2 of 4 stars). 7 submissions from 7 submitters: Uncertain significance (7). Last evaluated 2026-01-08.

Conditions:
Hereditary cancer-predisposing syndrome. Also called: Hereditary Cancer Syndrome; Tumor predisposition; Neoplastic Syndromes, Hereditary; Hereditary neoplastic syndrome. Identifiers: Orphanet 140162, MedGen C0027672, MeSH D009386, MONDO:0015356.
Hereditary diffuse gastric adenocarcinoma (HDGC). Also called: DIFFUSE GASTRIC AND LOBULAR BREAST CANCER SYNDROME. Identifiers: Orphanet 26106, MedGen C1708349, MONDO:0007648, OMIM 137215.
Familial cancer of breast. Also called: hereditary breast carcinoma; Hereditary breast cancer; BREAST CANCER, FAMILIAL. Identifiers: Orphanet 227535, MedGen C0346153, MONDO:0016419, OMIM 114480. Disease mechanism: loss of function.

gnomAD v4.1: 1 of 1,613,728 alleles (0.000062%); highest among the groups gnomAD compares: South Asian, 0.0011%; no homozygotes.

Submissions (7):

Labcorp Genetics (formerly Invitae), Labcorp
Classification: Uncertain significance for Hereditary diffuse gastric adenocarcinoma. Last evaluated: 2026-01-08. Review status: criteria provided, single submitter. Criteria: Invitae Variant Classification Sherloc (09022015). Collection method: clinical testing. Allele origin: germline.
Comment: This sequence change replaces arginine, which is basic and polar, with leucine, which is neutral and non-polar, at codon 800 of the CDH1 protein (p.Arg800Leu). This variant is not present in population databases (gnomAD no frequency). This variant has not been reported in the literature in individuals affected with CDH1-related conditions. ClinVar contains an entry for this variant (Variation ID: 532467). An algorithm developed to predict the effect of missense changes on protein structure and function (PolyPhen-2) suggests that this variant is likely to be disruptive. In summary, the available evidence is currently insufficient to determine the role of this variant in disease. Therefore, it has been classified as a Variant of Uncertain Significance.

Dasa
Classification: Uncertain significance. Last evaluated: 2025-10-07. Review status: criteria provided, single submitter. Criteria: DASA Assertion Criteria. Collection method: clinical testing. Allele origin: germline.
Comment: NM_004360.5(CDH1):c.2399G>T (p.Arg800Leu) is a missense variant that results in the substitution of arginine with leucine. This variant is rare in population databases. The currently available literature and clinical evidence are not sufficient to establish a definitive association between this variant and the reported condition. Therefore, this variant is classified as a variant of uncertain significance.

Ambry Genetics
Classification: Uncertain significance for Hereditary cancer-predisposing syndrome. Last evaluated: 2025-08-04. Review status: criteria provided, single submitter. Criteria: Ambry Variant Classification Scheme 2023. Collection method: clinical testing. Allele origin: germline.
Comment: The p.R800L variant (also known as c.2399G>T), located in coding exon 15 of the CDH1 gene, results from a G to T substitution at nucleotide position 2399. The arginine at codon 800 is replaced by leucine, an amino acid with dissimilar properties. This variant was detected as heterozygous in individuals with no reported features of CDH1-related diffuse gastric and lobular breast cancer (DGLBC) (Ambry internal data). This amino acid position is highly conserved in available vertebrate species. In addition, this alteration is predicted to be deleterious by in silico analysis. Based on the available evidence, the clinical significance of this variant remains unclear.

CeGaT Center for Human Genetics Tuebingen
Classification: Uncertain significance. Last evaluated: 2024-08-01. Review status: criteria provided, single submitter. Criteria: CeGaT Center For Human Genetics Tuebingen Variant Classification Criteria Version 2. Collection method: clinical testing. Allele origin: germline. Affected: yes. Observed: 1 variant allele.
Comment: CDH1: PM2, PS4:Supporting

Baylor Genetics
Classification: Uncertain significance for Familial cancer of breast. Last evaluated: 2023-05-12. Review status: criteria provided, single submitter. Criteria: ACMG Guidelines, 2015. Collection method: clinical testing. Allele origin: unknown.

Sema4
Classification: Uncertain significance for Hereditary cancer-predisposing syndrome. Last evaluated: 2021-10-19. Review status: criteria provided, single submitter. Criteria: Sema4 Curation Guidelines. Collection method: curation. Allele origin: germline.
Comment: The CDH1 c.2399G>T (p.R800L) variant has been reported in at least two individuals with breast cancer (PMID: 33471991). It was not observed in the large and broad cohorts of the Genome Aggregation Database (PMID: 32461654). The variant has been reported in ClinVar (Variation ID 532467). Functional studies have not been performed, and in silico predictions of the variant's effect on protein function are inconclusive. The evidence is insufficient to meet ACMG/AMP criteria for classifying the variant as benign or pathogenic. Thus, the clinical significance of this variant is currently uncertain.

Color Diagnostics, LLC DBA Color Health
Classification: Uncertain significance for Hereditary cancer-predisposing syndrome. Last evaluated: 2020-12-21. Review status: criteria provided, single submitter. Criteria: ACMG Guidelines, 2015. Collection method: clinical testing. Allele origin: germline.
Comment: This missense variant replaces arginine with leucine at codon 800 of the CDH1 protein. Computational prediction tools and conservation analyses are inconclusive regarding the impact of this variant on protein structure and function. Splice site prediction tools suggest that this variant may not impact RNA splicing. To our knowledge, functional studies have not been performed for this variant. This variant has not been reported in individuals affected with hereditary cancer in the literature. This variant has not been identified in the general population by the Genome Aggregation Database (gnomAD). The available evidence is insufficient to determine the role of this variant in disease conclusively. Therefore, this variant is classified as a Variant of Uncertain Significance.

Literature cited by the submitters: PubMed 33471991 (cited by Sema4).

NM_004360.5(CDH1):c.2399G>T (p.Arg800Leu)

Gene: CDH1 (cadherin 1; plus strand). Cytogenetic location: 16q22.1.
Variant type: single nucleotide variant.
Coding change: c.2399G>T on transcript NM_004360.5 (MANE Select); coding-DNA position 2399, G replaced by T.
Protein change: p.Arg800Leu; replaces arginine 800 with leucine.
Molecular consequence: missense variant.
Genome position (GRCh38, 1-based): chr16:68,829,757, G>T. VCF-style: chr16-68829757-G-T. GRCh37 (hg19) VCF-style: chr16-68863660-G-T.
Other names: c.2216G>T, p.Arg739Leu (NM_001317184.2); c.851G>T, p.Arg284Leu (NM_001317185.2); c.434G>T, p.Arg145Leu (NM_001317186.2); c.2399G>T (LRG_301t1); short protein forms R800L, R739L, R145L, R284L.
Identifiers: ClinVar variation 532467 (VCV000532467.38), dbSNP rs370345996, ClinGen allele CA396471207.